The following is an entry in ClinVar:

ClinVar aggregate classification (germline): Uncertain significance (1 of 4 stars; one submission).

Conditions:
Inborn genetic diseases. Identifiers: MedGen C0950123, MeSH D030342.

gnomAD v4.1: 2 of 1,614,212 alleles (0.00012%); highest among the groups gnomAD compares: Middle Eastern, 0.016%; no homozygotes.

Submission:

Ambry Genetics
Classification: Uncertain significance for Inborn genetic diseases. Last evaluated: 2025-03-30. Review status: criteria provided, single submitter. Criteria: Ambry Variant Classification Scheme 2023. Collection method: clinical testing. Allele origin: germline.
Comment: The p.R1298K variant (also known as c.3893G>A), located in coding exon 39 of the FANCA gene, results from a G to A substitution at nucleotide position 3893. The arginine at codon 1298 is replaced by lysine, an amino acid with highly similar properties. This amino acid position is conserved. In addition, this alteration is predicted to be tolerated by in silico analysis. Based on the available evidence, the clinical significance of this variant remains unclear.

NM_000135.4(FANCA):c.3893G>A (p.Arg1298Lys)

Genes: FANCA (FA complementation group A; minus strand), ZNF276 (zinc finger protein 276; plus strand). Cytogenetic location: 16q24.3.
Variant type: single nucleotide variant.
Coding change: c.3893G>A on transcript NM_000135.4 (MANE Select); coding-DNA position 3893, G replaced by A.
Protein change: p.Arg1298Lys; replaces arginine 1298 with lysine.
Molecular consequence: missense variant. On other transcripts: 3 prime UTR variant (2), non-coding transcript variant (4).
Genome position (GRCh38, 1-based): chr16:89,740,035, C>T on the plus strand (G>A on the coding strand, the complement: FANCA is on the minus strand). VCF-style: chr16-89740035-C-T. GRCh37 (hg19) VCF-style: chr16-89806443-C-T.
Other names: c.3893G>A, p.Arg1298Lys (NM_001286167.3); c.*1789C>T (NM_001113525.2, NM_152287.4); short protein forms R1298K.
Identifiers: ClinVar variation 4022126 (VCV004022126.1).